The following is an entry in ClinVar:

ClinVar aggregate classification (germline): Uncertain significance. Review status: criteria provided, multiple submitters, no conflicts (2 of 4 stars). 2 submissions from 2 submitters: Uncertain significance (2). Last evaluated 2022-09-22.

Conditions:
Cardiomyopathy (CMYO). Also called: Cardiomyopathies. Identifiers: Orphanet 167848, MedGen C0878544, MONDO:0004994, HP:0001638. Inheritance: Various modes of inheritance.
Arrhythmogenic right ventricular dysplasia 9 (ARVD9). Also called: ARRHYTHMOGENIC RIGHT VENTRICULAR DYSPLASIA, FAMILIAL, 9; Arrhythmogenic Right Ventricular Dysplasia/Cardiomyopathy 9. Identifiers: MedGen C1836906, MONDO:0012180, OMIM 609040.

Submissions (2):

Labcorp Genetics (formerly Invitae), Labcorp
Classification: Uncertain significance for Arrhythmogenic right ventricular dysplasia 9. Last evaluated: 2022-09-22. Review status: criteria provided, single submitter. Criteria: Invitae Variant Classification Sherloc (09022015). Collection method: clinical testing. Allele origin: germline.
Comment: This sequence change replaces leucine, which is neutral and non-polar, with proline, which is neutral and non-polar, at codon 582 of the PKP2 protein (p.Leu582Pro). This variant is not present in population databases (gnomAD no frequency). This variant has not been reported in the literature in individuals affected with PKP2-related conditions. ClinVar contains an entry for this variant (Variation ID: 626800). Algorithms developed to predict the effect of missense changes on protein structure and function (SIFT, PolyPhen-2, Align-GVGD) all suggest that this variant is likely to be disruptive. In summary, the available evidence is currently insufficient to determine the role of this variant in disease. Therefore, it has been classified as a Variant of Uncertain Significance.

CHEO Genetics Diagnostic Laboratory, Children's Hospital of Eastern Ontario
Classification: Uncertain significance for Cardiomyopathy. Last evaluated: 2016-10-28. Review status: criteria provided, single submitter. Criteria: ACMG Guidelines, 2015. Collection method: clinical testing. Allele origin: germline. Study: Canadian Open Genetics Repository.

NM_001005242.3(PKP2):c.1613T>C (p.Leu538Pro)

Gene: PKP2 (plakophilin 2; minus strand). Cytogenetic location: 12p11.21.
Variant type: single nucleotide variant.
Coding change: c.1613T>C on transcript NM_001005242.3 (MANE Select); coding-DNA position 1613, T replaced by C.
Protein change: p.Leu538Pro; replaces leucine 538 with proline.
Molecular consequence: missense variant.
Genome position (GRCh38, 1-based): chr12:32,824,106, A>G on the plus strand (T>C on the coding strand, the complement: PKP2 is on the minus strand). VCF-style: chr12-32824106-A-G. GRCh37 (hg19) VCF-style: chr12-32977040-A-G.
Other names: c.1745T>C, p.Leu582Pro (NM_004572.4); short protein forms L582P, L538P.
Identifiers: ClinVar variation 626800 (VCV000626800.7), dbSNP rs1565581687, ClinGen allele CA384364856.